The following is an entry in ClinVar:

ClinVar aggregate classification (germline): Uncertain significance (1 of 4 stars; one submission).

Conditions:
Autosomal recessive nonsyndromic hearing loss 3. Also called: NEUROSENSORY NONSYNDROMIC RECESSIVE DEAFNESS 3. Identifiers: Orphanet 90636, MedGen C1838263, MONDO:0010860, OMIM 600316.

Submission:

Juno Genomics, Hangzhou Juno Genomics, Inc
Classification: Uncertain significance for Autosomal recessive nonsyndromic hearing loss 3. Review status: criteria provided, single submitter. Criteria: ACMG Guidelines, 2015. Collection method: clinical testing. Allele origin: germline.
Comment: Absent from controls (or at extremely low frequency if recessive) in Genome Aggregation Database.

NM_016239.4(MYO15A):c.8365C>G (p.Leu2789Val)

Gene: MYO15A (myosin XVA; plus strand). Cytogenetic location: 17p11.2.
Variant type: single nucleotide variant.
Coding change: c.8365C>G on transcript NM_016239.4 (MANE Select); coding-DNA position 8365, C replaced by G.
Protein change: p.Leu2789Val; replaces leucine 2789 with valine.
Molecular consequence: missense variant.
Genome position (GRCh38, 1-based): chr17:18,155,338, C>G. VCF-style: chr17-18155338-C-G. GRCh37 (hg19) VCF-style: chr17-18058652-C-G.
Other names: short protein forms L2789V.
Identifiers: ClinVar variation 5019917 (VCV005019917.2).